The following is an entry in ClinVar:

ClinVar aggregate classification (germline): Uncertain significance (1 of 4 stars; one submission).

gnomAD v4.1: 160 of 1,614,086 alleles (0.0099%); highest among the groups gnomAD compares: East Asian, 0.12%; no homozygotes.

Submission:

Labcorp Genetics (formerly Invitae), Labcorp
Classification: Uncertain significance. Last evaluated: 2026-02-04. Review status: criteria provided, single submitter. Criteria: Invitae Variant Classification Sherloc (09022015). Collection method: clinical testing. Allele origin: germline.
Comment: This sequence change affects codon 315 of the PPP2R5B mRNA. It is a 'silent' change, meaning that it does not change the encoded amino acid sequence of the PPP2R5B protein. It affects a nucleotide within the consensus splice site. This variant is present in population databases (rs139176991, gnomAD 0.2%), and has an allele count higher than expected for a pathogenic variant. This variant has not been reported in the literature in individuals affected with PPP2R5B-related conditions. Algorithms developed to predict the effect of sequence changes on RNA splicing suggest that this variant is not likely to affect RNA splicing. In summary, the available evidence is currently insufficient to determine the role of this variant in disease. Therefore, it has been classified as a Variant of Uncertain Significance.

NM_006244.4(PPP2R5B):c.945C>T (p.His315=)

Gene: PPP2R5B (protein phosphatase 2 regulatory subunit B'beta; plus strand). Cytogenetic location: 11q13.1.
Variant type: single nucleotide variant.
Coding change: c.945C>T on transcript NM_006244.4 (MANE Select); coding-DNA position 945, C replaced by T.
Protein change: p.His315=; no amino-acid change (histidine 315 retained).
Molecular consequence: synonymous variant.
Genome position (GRCh38, 1-based): chr11:64,931,489, C>T. VCF-style: chr11-64931489-C-T. GRCh37 (hg19) VCF-style: chr11-64698961-C-T.
Identifiers: ClinVar variation 4801872 (VCV004801872.1).